The following is an entry in ClinVar:

NM_007194.4(CHEK2):c.445-5T>G

Gene: CHEK2 (checkpoint kinase 2; minus strand). Cytogenetic location: 22q12.1.
Variant type: single nucleotide variant.
Coding change: c.445-5T>G on transcript NM_007194.4 (MANE Select); 5 bases into the intron before coding-DNA position 445, T replaced by G.
Molecular consequence: intron variant.
Genome position (GRCh38, 1-based): chr22:28,725,129, A>C on the plus strand (T>G on the coding strand, the complement: CHEK2 is on the minus strand). VCF-style: chr22-28725129-A-C. GRCh37 (hg19) VCF-style: chr22-29121117-A-C.
Other names: c.-219-5T>G (NM_001437942.1); c.444+114T>G (NM_001349956.3); c.445-5T>G (NM_145862.3); c.-333-5T>G (NM_001257387.3); c.538-5T>G (NM_001438295.1, NM_001438293.1); c.574-5T>G (NM_001438294.1, NM_001005735.3).
Identifiers: ClinVar variation 483398 (VCV000483398.18), dbSNP rs1555927050, ClinGen allele CA658656830.

ClinVar aggregate classification (germline): Conflicting classifications of pathogenicity. Review status: criteria provided, conflicting classifications (1 of 4 stars). 2 submissions from 2 submitters: Likely pathogenic (1); Uncertain significance (1). Last evaluated 2026-05-05.

Conditions:
Hereditary cancer-predisposing syndrome. Also called: Tumor predisposition; Hereditary neoplastic syndrome; Neoplastic Syndromes, Hereditary; Hereditary Cancer Syndrome. Identifiers: Orphanet 140162, MedGen C0027672, MeSH D009386, MONDO:0015356.
Familial cancer of breast. Also called: hereditary breast carcinoma; Hereditary breast cancer; BREAST CANCER, FAMILIAL. Identifiers: Orphanet 227535, MedGen C0346153, MONDO:0016419, OMIM 114480. Disease mechanism: loss of function.

Submissions (2):

Ambry Genetics
Classification: Likely pathogenic for Hereditary cancer-predisposing syndrome. Last evaluated: 2026-05-05. Review status: criteria provided, single submitter. Criteria: Ambry Variant Classification Scheme 2023. Collection method: clinical testing. Allele origin: germline.
Comment: The c.445-5T>G intronic variant results from a T to G substitution 5 nucleotides upstream from coding exon 3 in the CHEK2 gene. This variant is considered to be rare based on population cohorts in the Genome Aggregation Database (gnomAD). This nucleotide position is well conserved in available vertebrate species. In silico splice site analysis predicts that this alteration will weaken the native splice acceptor site. RNA studies have demonstrated that this variant results in abnormal splicing in the set of samples tested (Ambry internal data). Based on the majority of available evidence to date, this variant is likely to be pathogenic.

Labcorp Genetics (formerly Invitae), Labcorp
Classification: Uncertain significance for Familial cancer of breast. Last evaluated: 2026-01-08. Review status: criteria provided, single submitter. Criteria: Invitae Variant Classification Sherloc (09022015). Collection method: clinical testing. Allele origin: germline.
Comment: This sequence change falls in intron 3 of the CHEK2 gene. It does not directly change the encoded amino acid sequence of the CHEK2 protein. This variant is not present in population databases (gnomAD no frequency). This variant has not been reported in the literature in individuals affected with CHEK2-related conditions. ClinVar contains an entry for this variant (Variation ID: 483398). Algorithms developed to predict the effect of sequence changes on RNA splicing suggest that this variant may disrupt the consensus splice site. In summary, the available evidence is currently insufficient to determine the role of this variant in disease. Therefore, it has been classified as a Variant of Uncertain Significance.